The following is an entry in ClinVar:

ClinVar aggregate classification (germline): Uncertain significance. Review status: criteria provided, single submitter (1 of 4 stars). 2 submissions from 2 submitters: Uncertain significance (1). 1 of the submissions does not count toward it. Last evaluated 2025-05-26.

Conditions:
TECTA-related disorder. Also called: TECTA-related condition.

Submissions (2):

Labcorp Genetics (formerly Invitae), Labcorp
Classification: Uncertain significance. Last evaluated: 2025-05-26. Review status: criteria provided, single submitter. Criteria: Invitae Variant Classification Sherloc (09022015). Collection method: clinical testing. Allele origin: germline.
Comment: This sequence change replaces aspartic acid, which is acidic and polar, with asparagine, which is neutral and polar, at codon 102 of the TECTA protein (p.Asp102Asn). This variant is not present in population databases (gnomAD no frequency). This variant has not been reported in the literature in individuals affected with TECTA-related conditions. ClinVar contains an entry for this variant (Variation ID: 3347485). Invitae Evidence Modeling of protein sequence and biophysical properties (such as structural, functional, and spatial information, amino acid conservation, physicochemical variation, residue mobility, and thermodynamic stability) has been performed for this missense variant. However, the output from this modeling did not meet the statistical confidence thresholds required to predict the impact of this variant on TECTA protein function. In summary, the available evidence is currently insufficient to determine the role of this variant in disease. Therefore, it has been classified as a Variant of Uncertain Significance.

PreventionGenetics, part of Exact Sciences
Classification: Uncertain significance for TECTA-related condition. Last evaluated: 2024-06-04. Review status: no assertion criteria provided. Collection method: clinical testing. Allele origin: germline. Not counted in ClinVar's aggregate classification.
Comment: The TECTA c.304G>A variant is predicted to result in the amino acid substitution p.Asp102Asn. To our knowledge, this variant has not been reported in the literature or in a large population database, indicating this variant is rare. At this time, the clinical significance of this variant is uncertain due to the absence of conclusive functional and genetic evidence.

NM_005422.4(TECTA):c.304G>A (p.Asp102Asn)

Genes: TBCEL-TECTA (TBCEL-TECTA readthrough; plus strand), TECTA (tectorin alpha; plus strand). Cytogenetic location: 11q23.3.
Variant type: single nucleotide variant.
Coding change: c.304G>A on transcript NM_005422.4 (MANE Select); coding-DNA position 304, G replaced by A.
Protein change: p.Asp102Asn; replaces aspartic acid 102 with asparagine.
Molecular consequence: missense variant.
Genome position (GRCh38, 1-based): chr11:121,109,316, G>A. VCF-style: chr11-121109316-G-A. GRCh37 (hg19) VCF-style: chr11-120980025-G-A.
Other names: c.1261G>A, p.Asp421Asn (NM_001378761.1); short protein forms D102N, D421N.
Identifiers: ClinVar variation 3347485 (VCV003347485.2).